The following is an entry in ClinVar:

NM_000256.3(MYBPC3):c.196C>T (p.Leu66=)

Gene: MYBPC3 (myosin binding protein C3; minus strand). Cytogenetic location: 11p11.2.
Variant type: single nucleotide variant.
Coding change: c.196C>T on transcript NM_000256.3 (MANE Select); coding-DNA position 196, C replaced by T.
Protein change: p.Leu66=; no amino-acid change (leucine 66 retained).
Molecular consequence: synonymous variant.
Genome position (GRCh38, 1-based): chr11:47,351,335, G>A on the plus strand (C>T on the coding strand, the complement: MYBPC3 is on the minus strand). VCF-style: chr11-47351335-G-A. GRCh37 (hg19) VCF-style: chr11-47372886-G-A.
Identifiers: ClinVar variation 3073131 (VCV003073131.1), dbSNP rs2495786079, ClinGen allele CA474429670.

ClinVar aggregate classification (germline): Uncertain significance (1 of 4 stars; one submission).

Conditions:
Hypertrophic cardiomyopathy. Also called: HYPERTROPHIC MYOCARDIOPATHY. Identifiers: Orphanet 217569, MedGen C0007194, MeSH D002312, MONDO:0005045, HP:0001639.

Allele frequency attached by ClinVar (database versions not stated): gnomAD exomes below 0.00001.
gnomAD v4.1: 1 of 1,597,242 alleles (0.000063%); highest among the groups gnomAD compares: East Asian, 0.0023%; no homozygotes.

Submission:

All of Us Research Program, National Institutes of Health
Classification: Uncertain significance for Hypertrophic cardiomyopathy. Last evaluated: 2023-08-23. Review status: criteria provided, single submitter. Criteria: ACMG Guidelines, 2015. Collection method: clinical testing. Allele origin: germline. Inheritance: Autosomal dominant inheritance. Observed: 1 variant allele, 1 heterozygote.
Comment: This variant is located in the MYBPC3 protein. To our knowledge, functional studies have not been reported for this variant. This variant has not been reported in individuals affected with MYBPC3-related disorders in the literature. This variant has not been identified in the general population by the Genome Aggregation Database (gnomAD). The available evidence is insufficient to determine the role of this variant in disease conclusively. Therefore, this variant is classified as a Variant of Uncertain Significance.

This study involves interpretation of variants in research participants for the purpose of population health screening. Participant phenotype was not available at the time of variant classification. Additional details can be found in publication PMID: 35346344, PMCID: PMC8962531